The following is an entry in ClinVar:

ClinVar aggregate classification (germline): Uncertain significance (1 of 4 stars; one submission).

Conditions:
Hereditary cancer-predisposing syndrome. Also called: Hereditary neoplastic syndrome; Neoplastic Syndromes, Hereditary; Tumor predisposition; Hereditary Cancer Syndrome. Identifiers: Orphanet 140162, MedGen C0027672, MeSH D009386, MONDO:0015356.

Submission:

Ambry Genetics
Classification: Uncertain significance for Hereditary cancer-predisposing syndrome. Last evaluated: 2026-03-16. Review status: criteria provided, single submitter. Criteria: Ambry Variant Classification Scheme 2023. Collection method: clinical testing. Allele origin: germline.
Comment: The p.S77G variant (also known as c.229A>G), located in coding exon 1 of the GREM1 gene, results from an A to G substitution at nucleotide position 229. The serine at codon 77 is replaced by glycine, an amino acid with similar properties. This amino acid position is conserved. In addition, the in silico prediction for this alteration is inconclusive. Based on the available evidence, the clinical significance of this variant remains unclear.

NM_013372.7(GREM1):c.229A>G (p.Ser77Gly)

Gene: GREM1 (gremlin 1, DAN family BMP antagonist; plus strand). Cytogenetic location: 15q13.3.
Variant type: single nucleotide variant.
Coding change: c.229A>G on transcript NM_013372.7 (MANE Select); coding-DNA position 229, A replaced by G.
Protein change: p.Ser77Gly; replaces serine 77 with glycine.
Molecular consequence: missense variant. On other transcripts: intron variant (2).
Genome position (GRCh38, 1-based): chr15:32,730,919, A>G. VCF-style: chr15-32730919-A-G. GRCh37 (hg19) VCF-style: chr15-33023120-A-G.
Other names: c.229A>G, p.Ser77Gly (NM_001368719.1); c.115-9A>G (NM_001191323.2); c.28-9A>G (NM_001191322.2); short protein forms S77G.
Identifiers: ClinVar variation 4858186 (VCV004858186.1).